The following is an entry in ClinVar:

ClinVar aggregate classification (germline): Uncertain significance (1 of 4 stars; one submission).

Allele frequency attached by ClinVar (database versions not stated): gnomAD exomes below 0.00001.
gnomAD v4.1: 4 of 1,614,044 alleles (0.00025%); highest among the groups gnomAD compares: Non-Finnish European, 0.00034%; no homozygotes.

Submission:

Labcorp Genetics (formerly Invitae), Labcorp
Classification: Uncertain significance. Last evaluated: 2023-12-11. Review status: criteria provided, single submitter. Criteria: Invitae Variant Classification Sherloc (09022015). Collection method: clinical testing. Allele origin: germline.
Comment: This sequence change replaces histidine, which is basic and polar, with arginine, which is basic and polar, at codon 86 of the RPL15 protein (p.His86Arg). This variant is not present in population databases (gnomAD no frequency). This variant has not been reported in the literature in individuals affected with RPL15-related conditions. ClinVar contains an entry for this variant (Variation ID: 2192324). An algorithm developed to predict the effect of missense changes on protein structure and function (PolyPhen-2) suggests that this variant is likely to be tolerated. In summary, the available evidence is currently insufficient to determine the role of this variant in disease. Therefore, it has been classified as a Variant of Uncertain Significance.

NM_002948.5(RPL15):c.257A>G (p.His86Arg)

Genes: NKIRAS1 (NFKB inhibitor interacting Ras like 1; minus strand), RPL15 (ribosomal protein L15; plus strand). Cytogenetic location: 3p24.2.
Variant type: single nucleotide variant.
Coding change: c.257A>G on transcript NM_002948.5 (MANE Select); coding-DNA position 257, A replaced by G.
Protein change: p.His86Arg; replaces histidine 86 with arginine.
Molecular consequence: missense variant. On other transcripts: intron variant (1).
Genome position (GRCh38, 1-based): chr3:23,918,524, A>G. VCF-style: chr3-23918524-A-G. GRCh37 (hg19) VCF-style: chr3-23960015-A-G.
Other names: c.257A>G, p.His86Arg (NM_001253379.2, NM_001253380.2, NM_001253382.2 and 2 more transcripts); c.-139-7074T>C (NM_001377380.1); short protein forms H86R.
Identifiers: ClinVar variation 2192324 (VCV002192324.3), dbSNP rs2471221298, ClinGen allele CA351881724.